The following is an entry in ClinVar:

ClinVar aggregate classification (germline): Pathogenic. Review status: reviewed by expert panel (3 of 4 stars). 3 submissions from 3 submitters: Pathogenic (1). 2 of the submissions do not count toward it. Last evaluated 2013-09-05.

Conditions:
Hereditary nonpolyposis colorectal neoplasms. Identifiers: MedGen C0009405, MeSH D003123.
Lynch syndrome. Identifiers: Orphanet 144, MedGen C4552100, MONDO:0005835. Disease mechanism: loss of function.

Submissions (3):

International Society for Gastrointestinal Hereditary Tumours (InSiGHT)
Classification: Pathogenic for Lynch Syndrome. Last evaluated: 2013-09-05. Review status: reviewed by expert panel. Criteria: Guidelines v1.9. Collection method: research. Allele origin: germline.
Comment: Coding sequence variation resulting in a stop codon

Classified with v1.9 guidelines

Clinical Genetics Laboratory, Skane University Hospital Lund
Classification: Pathogenic. Last evaluated: 2023-08-21. Review status: criteria provided, single submitter. Criteria: ACMG Guidelines, 2015. Collection method: clinical testing. Allele origin: germline. Affected: yes. Not counted in ClinVar's aggregate classification.

Labcorp Genetics (formerly Invitae), Labcorp
Classification: Pathogenic for Hereditary nonpolyposis colorectal neoplasms. Last evaluated: 2023-02-06. Review status: criteria provided, single submitter. Criteria: Invitae Variant Classification Sherloc (09022015). Collection method: clinical testing. Allele origin: germline. Not counted in ClinVar's aggregate classification.
Comment: For these reasons, this variant has been classified as Pathogenic. ClinVar contains an entry for this variant (Variation ID: 89459). This premature translational stop signal has been observed in individual(s) with MSH6-related conditions (PMID: 10521294, 26517685). This variant is not present in population databases (gnomAD no frequency). This sequence change creates a premature translational stop signal (p.Gln1258*) in the MSH6 gene. It is expected to result in an absent or disrupted protein product. Loss-of-function variants in MSH6 are known to be pathogenic (PMID: 18269114, 24362816).

Literature cited by the submitters: PubMed 10521294 (cited by Labcorp Genetics (formerly Invitae), Labcorp); PubMed 26517685 (cited by Labcorp Genetics (formerly Invitae), Labcorp); PubMed 18269114 (cited by Labcorp Genetics (formerly Invitae), Labcorp); PubMed 24362816 (cited by Labcorp Genetics (formerly Invitae), Labcorp).

NM_000179.3(MSH6):c.3772C>T (p.Gln1258Ter)

Gene: MSH6 (mutS homolog 6; plus strand). Cytogenetic location: 2p16.3.
Variant type: single nucleotide variant.
Coding change: c.3772C>T on transcript NM_000179.3 (MANE Select); coding-DNA position 3772, C replaced by T.
Protein change: p.Gln1258Ter; replaces glutamine 1258 with a stop codon.
Molecular consequence: nonsense.
Genome position (GRCh38, 1-based): chr2:47,806,329, C>T. VCF-style: chr2-47806329-C-T. GRCh37 (hg19) VCF-style: chr2-48033468-C-T.
Other names: c.3382C>T, p.Gln1128Ter (NM_001281492.2); c.2866C>T, p.Gln956Ter (NM_001281493.2, NM_001281494.2); short protein forms Q1258*, Q956*, Q1128*.
Identifiers: ClinVar variation 89459 (VCV000089459.6), dbSNP rs63750554, ClinGen allele CA014244.